The following is an entry in ClinVar:

ClinVar aggregate classification (germline): Uncertain significance (1 of 4 stars; one submission).

Conditions:
Cardiomyopathy (CMYO). Also called: Cardiomyopathies. Identifiers: Orphanet 167848, MedGen C0878544, MONDO:0004994, HP:0001638. Inheritance: Various modes of inheritance.

Submission:

Color Diagnostics, LLC DBA Color Health
Classification: Uncertain significance for Cardiomyopathy. Last evaluated: 2020-02-05. Review status: criteria provided, single submitter. Criteria: ACMG Guidelines, 2015. Collection method: clinical testing. Allele origin: germline.
Comment: This variant changes a single nucleotide in intron 12 of the TNNT2 gene. Splice prediction tools are inconclusive regarding the impact of this variant on RNA splicing. To our knowledge, functional studies have not been performed for this variant. This variant has not been reported in individuals affected with cardiovascular disorders in the literature. This variant has not been identified in the general population by the Genome Aggregation Database (gnomAD). The available evidence is insufficient to determine the role of this variant in disease conclusively. Therefore, this variant is classified as a Variant of Uncertain Significance.

NM_001276345.2(TNNT2):c.610-7C>A

Gene: TNNT2 (troponin T2, cardiac type; minus strand). Cytogenetic location: 1q32.1.
Variant type: single nucleotide variant.
Coding change: c.610-7C>A on transcript NM_001276345.2 (MANE Select); 7 bases into the intron before coding-DNA position 610, C replaced by A.
Molecular consequence: intron variant.
Genome position (GRCh38, 1-based): chr1:201,362,029, G>T on the plus strand (C>A on the coding strand, the complement: TNNT2 is on the minus strand). VCF-style: chr1-201362029-G-T. GRCh37 (hg19) VCF-style: chr1-201331157-G-T.
Other names: c.562-7C>A (NM_001001432.3); c.571-7C>A (NM_001001431.3); c.580-7C>A (NM_001001430.3, NM_001276347.2); c.481-7C>A (NM_001276346.2); c.601-7C>A (NM_000364.4).
Identifiers: ClinVar variation 920190 (VCV000920190.3), dbSNP rs1658744962, ClinGen allele CA1139655541.